The following is an entry in ClinVar:

NM_004260.4(RECQL4):c.3138G>T (p.Glu1046Asp)

Gene: RECQL4 (RecQ like helicase 4; minus strand). Cytogenetic location: 8q24.3.
Variant type: single nucleotide variant.
Coding change: c.3138G>T on transcript NM_004260.4 (MANE Select); coding-DNA position 3138, G replaced by T.
Protein change: p.Glu1046Asp; replaces glutamic acid 1046 with aspartic acid.
Molecular consequence: missense variant.
Genome position (GRCh38, 1-based): chr8:144,512,242, C>A on the plus strand (G>T on the coding strand, the complement: RECQL4 is on the minus strand). VCF-style: chr8-144512242-C-A. GRCh37 (hg19) VCF-style: chr8-145737625-C-A.
Other names: short protein forms E1046D.
Identifiers: ClinVar variation 1380854 (VCV001380854.6), dbSNP rs1286948806, ClinGen allele CA372670380.

ClinVar aggregate classification (germline): Uncertain significance (1 of 4 stars; one submission).

Conditions:
Baller-Gerold syndrome (BGS). Also called: CRANIOSYNOSTOSIS WITH RADIAL DEFECTS. Identifiers: Orphanet 1225, MedGen C0265308, MONDO:0009039, OMIM 218600.

Submission:

Labcorp Genetics (formerly Invitae), Labcorp
Classification: Uncertain significance for Baller-Gerold syndrome. Last evaluated: 2023-10-05. Review status: criteria provided, single submitter. Criteria: Invitae Variant Classification Sherloc (09022015). Collection method: clinical testing. Allele origin: germline.
Comment: This sequence change replaces glutamic acid, which is acidic and polar, with aspartic acid, which is acidic and polar, at codon 1046 of the RECQL4 protein (p.Glu1046Asp). This variant is not present in population databases (gnomAD no frequency). This variant has not been reported in the literature in individuals affected with RECQL4-related conditions. ClinVar contains an entry for this variant (Variation ID: 1380854). Advanced modeling of protein sequence and biophysical properties (such as structural, functional, and spatial information, amino acid conservation, physicochemical variation, residue mobility, and thermodynamic stability) performed at Invitae indicates that this missense variant is not expected to disrupt RECQL4 protein function. In summary, the available evidence is currently insufficient to determine the role of this variant in disease. Therefore, it has been classified as a Variant of Uncertain Significance.